The following is an entry in ClinVar:

NM_022041.4(GAN):c.1430G>A (p.Arg477Gln)

Gene: GAN (gigaxonin; plus strand). Cytogenetic location: 16q23.2.
Variant type: single nucleotide variant.
Coding change: c.1430G>A on transcript NM_022041.4 (MANE Select); coding-DNA position 1430, G replaced by A.
Protein change: p.Arg477Gln; replaces arginine 477 with glutamine.
Molecular consequence: missense variant.
Genome position (GRCh38, 1-based): chr16:81,365,406, G>A. VCF-style: chr16-81365406-G-A. GRCh37 (hg19) VCF-style: chr16-81399011-G-A.
Other names: c.791G>A, p.Arg264Gln (NM_001377486.1); short protein forms R477Q, R264Q.
Identifiers: ClinVar variation 567479 (VCV000567479.8), dbSNP rs748209210, ClinGen allele CA8191764.

ClinVar aggregate classification (germline): Uncertain significance (1 of 4 stars; one submission).

Conditions:
Giant axonal neuropathy 1 (GAN1). Also called: GIANT AXONAL NEUROPATHY 1, AUTOSOMAL RECESSIVE; GAN-Related Neurodegeneration. Identifiers: Orphanet 643, MedGen C1850386, MONDO:0009749, OMIM 256850.

Allele frequency attached by ClinVar (database versions not stated): gnomAD exomes below 0.00001 and 0.00001; ExAC 0.00001; gnomAD 0.00001; TOPMed 0.00001.
gnomAD v4.1: 20 of 1,613,496 alleles (0.0012%); highest among the groups gnomAD compares: Admixed American, 0.005%; no homozygotes.

Submission:

Labcorp Genetics (formerly Invitae), Labcorp
Classification: Uncertain significance for Giant axonal neuropathy 1. Last evaluated: 2022-08-07. Review status: criteria provided, single submitter. Criteria: Invitae Variant Classification Sherloc (09022015). Collection method: clinical testing. Allele origin: germline.
Comment: This sequence change replaces arginine, which is basic and polar, with glutamine, which is neutral and polar, at codon 477 of the GAN protein (p.Arg477Gln). This variant is present in population databases (rs748209210, gnomAD 0.003%). This variant has not been reported in the literature in individuals affected with GAN-related conditions. ClinVar contains an entry for this variant (Variation ID: 567479). Algorithms developed to predict the effect of missense changes on protein structure and function are either unavailable or do not agree on the potential impact of this missense change (SIFT: "Tolerated"; PolyPhen-2: "Probably Damaging"; Align-GVGD: "Class C0"). In summary, the available evidence is currently insufficient to determine the role of this variant in disease. Therefore, it has been classified as a Variant of Uncertain Significance.